The following is an entry in ClinVar:

NM_000321.3(RB1):c.-90G>T

Gene: RB1 (RB transcriptional corepressor 1; plus strand). Cytogenetic location: 13q14.2.
Variant type: single nucleotide variant.
Coding change: c.-90G>T on transcript NM_000321.3 (MANE Select); 90 bases upstream of the start codon, G replaced by T.
Molecular consequence: 5 prime UTR variant.
Genome position (GRCh38, 1-based): chr13:48,303,823, G>T. VCF-style: chr13-48303823-G-T. GRCh37 (hg19) VCF-style: chr13-48877959-G-T.
Other names: c.-90G>T (NM_001407165.1, NM_001407166.1, NM_001407167.1).
Identifiers: ClinVar variation 3645905 (VCV003645905.2).
Genomic context (GRCh38, chr13:48,303,823, plus strand): 5'-GGGGAGGGCGCGTCCGGTTTTTCTCAGGGGACGTTGAAATTATTTTTGTAACGGGAGTCG[G>T]GAGAGGACGGGGCGTGCCCCGACGTGCGCGCGCGTCGTCCTCCCCGGCGCTCCTCCACAG-3'

ClinVar aggregate classification (germline): Uncertain significance (1 of 4 stars; one submission).

Conditions:
Retinoblastoma (RB1). Also called: RETINOBLASTOMA, SOMATIC. Identifiers: Orphanet 790, MedGen C0035335, MeSH D012175, MONDO:0008380, OMIM 180200, HP:0009919. Disease mechanism: loss of function. Inheritance: Both sporadic and heritable forms are tested..

gnomAD v4.1: 1 of 1,468,370 alleles (0.000068%); highest among the groups gnomAD compares: Non-Finnish European, 0.00009%; no homozygotes.

Submission:

Labcorp Genetics (formerly Invitae), Labcorp
Classification: Uncertain significance for Retinoblastoma. Last evaluated: 2024-03-14. Review status: criteria provided, single submitter. Criteria: Invitae Variant Classification Sherloc (09022015). Collection method: clinical testing. Allele origin: germline.
Comment: This variant occurs in a non-coding region of the RB1 gene. It does not change the encoded amino acid sequence of the RB1 protein. This variant is not present in population databases (gnomAD no frequency). This variant has not been reported in the literature in individuals affected with RB1-related conditions. In summary, the available evidence is currently insufficient to determine the role of this variant in disease. Therefore, it has been classified as a Variant of Uncertain Significance.